The following is an entry in ClinVar:

NM_015910.7(WDPCP):c.52G>C (p.Ala18Pro)

Gene: WDPCP (WD repeat containing planar cell polarity effector; minus strand). Cytogenetic location: 2p15.
Variant type: single nucleotide variant.
Coding change: c.52G>C on transcript NM_015910.7 (MANE Select); coding-DNA position 52, G replaced by C.
Protein change: p.Ala18Pro; replaces alanine 18 with proline.
Molecular consequence: missense variant. On other transcripts: 5 prime UTR variant (1), non-coding transcript variant (2).
Genome position (GRCh38, 1-based): chr2:63,588,220, C>G on the plus strand (G>C on the coding strand, the complement: WDPCP is on the minus strand). VCF-style: chr2-63588220-C-G. GRCh37 (hg19) VCF-style: chr2-63815354-C-G.
Other names: c.-273G>C (NM_001354044.2); c.52G>C, p.Ala18Pro (NM_001354045.2); short protein forms A18P.
Identifiers: ClinVar variation 1345916 (VCV001345916.6), dbSNP rs1381507084, ClinGen allele CA347066558.

ClinVar aggregate classification (germline): Uncertain significance (1 of 4 stars; one submission).

Conditions:
Bardet-Biedl syndrome (BBS). Identifiers: Orphanet 110, MedGen C0752166, MONDO:0015229.

Submission:

Labcorp Genetics (formerly Invitae), Labcorp
Classification: Uncertain significance for Bardet-Biedl syndrome. Last evaluated: 2022-08-09. Review status: criteria provided, single submitter. Criteria: Invitae Variant Classification Sherloc (09022015). Collection method: clinical testing. Allele origin: germline.
Comment: In summary, the available evidence is currently insufficient to determine the role of this variant in disease. Therefore, it has been classified as a Variant of Uncertain Significance. Algorithms developed to predict the effect of missense changes on protein structure and function (SIFT, PolyPhen-2, Align-GVGD) all suggest that this variant is likely to be tolerated. ClinVar contains an entry for this variant (Variation ID: 1345916). This variant has not been reported in the literature in individuals affected with WDPCP-related conditions. This variant is not present in population databases (gnomAD no frequency). This sequence change replaces alanine, which is neutral and non-polar, with proline, which is neutral and non-polar, at codon 18 of the WDPCP protein (p.Ala18Pro).